The following is an entry in ClinVar:

ClinVar aggregate classification (germline): Uncertain significance (1 of 4 stars; one submission).

Conditions:
Idiopathic generalized epilepsy. Also called: Generalised epilepsy; EIG. Identifiers: MedGen C0270850, MONDO:0005579, OMIM 600669.
Hyperaldosteronism, familial, type IV (HALD4). Also called: FH IV; ALDOSTERONISM, PRIMARY, AND HYPERTENSION. Identifiers: Orphanet 642671, MedGen C4310756, MONDO:0014875, OMIM 617027.

gnomAD v4.1: 1 of 1,523,910 alleles (0.000066%); highest among the groups gnomAD compares: East Asian, 0.0023%; no homozygotes.

Submission:

Labcorp Genetics (formerly Invitae), Labcorp
Classification: Uncertain significance for Idiopathic generalized epilepsy; Hyperaldosteronism, familial, type IV. Last evaluated: 2024-03-15. Review status: criteria provided, single submitter. Criteria: Invitae Variant Classification Sherloc (09022015). Collection method: clinical testing. Allele origin: germline.
Comment: This sequence change replaces glutamine, which is neutral and polar, with leucine, which is neutral and non-polar, at codon 2153 of the CACNA1H protein (p.Gln2153Leu). This variant is not present in population databases (gnomAD no frequency). This variant has not been reported in the literature in individuals affected with CACNA1H-related conditions. Advanced modeling of protein sequence and biophysical properties (such as structural, functional, and spatial information, amino acid conservation, physicochemical variation, residue mobility, and thermodynamic stability) performed at Invitae indicates that this missense variant is not expected to disrupt CACNA1H protein function with a negative predictive value of 80%. In summary, the available evidence is currently insufficient to determine the role of this variant in disease. Therefore, it has been classified as a Variant of Uncertain Significance.

NM_021098.3(CACNA1H):c.6458A>T (p.Gln2153Leu)

Gene: CACNA1H (calcium voltage-gated channel subunit alpha1 H; plus strand). Cytogenetic location: 16p13.3.
Variant type: single nucleotide variant.
Coding change: c.6458A>T on transcript NM_021098.3 (MANE Select); coding-DNA position 6458, A replaced by T.
Protein change: p.Gln2153Leu; replaces glutamine 2153 with leucine.
Molecular consequence: missense variant.
Genome position (GRCh38, 1-based): chr16:1,220,390, A>T. VCF-style: chr16-1220390-A-T. GRCh37 (hg19) VCF-style: chr16-1270390-A-T.
Other names: c.6440A>T, p.Gln2147Leu (NM_001005407.2); short protein forms Q2147L, Q2153L.
Identifiers: ClinVar variation 3747965 (VCV003747965.2).